The following is an entry in ClinVar:

ClinVar aggregate classification (germline): Likely pathogenic (1 of 4 stars; one submission).

Conditions:
Pseudohypoaldosteronism type 2E (PHA2E). Also called: Pseudohypoaldosteronism Type IIE. Identifiers: Orphanet 300530, Orphanet 757, MedGen C3469606, MONDO:0013782, OMIM 614496.
Neurodevelopmental disorder with or without autism or seizures (NEDAUS). Identifiers: MedGen C5543225, MONDO:0030994, OMIM 619239.

Submission:

Juno Genomics, Hangzhou Juno Genomics, Inc
Classification: Likely pathogenic for Neurodevelopmental disorder with or without autism or seizures; Pseudohypoaldosteronism type 2E. Review status: criteria provided, single submitter. Criteria: ACMG Guidelines, 2015. Collection method: clinical testing. Allele origin: germline. Affected: yes.
Comment: Absent from controls (or at extremely low frequency if recessive) in Genome Aggregation Database, Exome Sequencing Project, 1000 Genomes Project, or Exome Aggregation Consortium.;Null variant in a gene where loss of function (LOF) is a known mechanism of disease.

NM_003590.5(CUL3):c.144_145del (p.Asn48fs)

Gene: CUL3 (cullin 3; minus strand). Cytogenetic location: 2q36.2.
Variant type: Deletion.
Coding change: c.144_145del on transcript NM_003590.5 (MANE Select); coding-DNA positions 144 to 145, 2 bases deleted (TA; older notation c.144_145delTA).
Protein change: p.Asn48fs; shifts the reading frame from asparagine 48.
Molecular consequence: frameshift variant. On other transcripts: intron variant (1).
Genome position (GRCh38, 1-based): chr2:224,557,778-224,557,779, TA deleted on the plus strand (TA on the coding strand, the reverse complement: CUL3 is on the minus strand); deleting any 2 consecutive bases within chr2:224,557,778-224,557,780 gives the same sequence; the c. name uses the placement nearest the transcript's 3' end. VCF-style (leftmost placement, unchanged base first): chr2-224557777-TTA-T. GRCh37 (hg19) VCF-style: chr2-225422494-TTA-T.
Other names: c.162_163del, p.Asn54fs (NM_001257198.2); c.67-22138_67-22137del (NM_001257197.2); short protein forms N48fs, N54fs.
Identifiers: ClinVar variation 3767102 (VCV003767102.2).